The following is an entry in ClinVar:

ClinVar aggregate classification (germline): Benign/Likely benign. Review status: criteria provided, multiple submitters, no conflicts (2 of 4 stars). 3 submissions from 3 submitters: Benign (1); Likely benign (2). Last evaluated 2024-05-10.

Conditions:
Hereditary cancer-predisposing syndrome. Also called: Hereditary neoplastic syndrome; Neoplastic Syndromes, Hereditary; Tumor predisposition; Hereditary Cancer Syndrome. Identifiers: Orphanet 140162, MedGen C0027672, MeSH D009386, MONDO:0015356.
Familial cancer of breast. Also called: BREAST CANCER, FAMILIAL; Hereditary breast cancer; hereditary breast carcinoma. Identifiers: Orphanet 227535, MedGen C0346153, MONDO:0016419, OMIM 114480. Disease mechanism: loss of function.
Ataxia-telangiectasia syndrome (AT). Also called: LOUIS-BAR SYNDROME; Cerebello-oculocutaneous telangiectasia; Immunodeficiency with ataxia telangiectasia; AT, COMPLEMENTATION GROUP C; Ataxia-telangiectasia, complementation group D; ATAXIA-TELANGIECTASIA, COMPLEMENTATION GROUP A. Identifiers: Orphanet 100, MedGen C0004135, MONDO:0008840, OMIM 208900.

Allele frequency attached by ClinVar (database versions not stated): gnomAD exomes below 0.00001; TOPMed 0.00001.
gnomAD v4.1: 2 of 1,614,026 alleles (0.00012%); highest among the groups gnomAD compares: Non-Finnish European, 0.00017%; no homozygotes.

Submissions (3):

Myriad Genetics, Inc.
Classification: Benign for Familial cancer of breast. Last evaluated: 2024-05-10. Review status: criteria provided, single submitter. Criteria: Myriad Autosomal Dominant, Autosomal Recessive and X-Linked Classification Criteria (2023). Collection method: clinical testing. Allele origin: unknown.
Comment: This variant is considered benign. This variant is a silent/synonymous amino acid change and it is not expected to impact splicing.

Labcorp Genetics (formerly Invitae), Labcorp
Classification: Likely benign for Ataxia-telangiectasia syndrome. Last evaluated: 2022-03-11. Review status: criteria provided, single submitter. Criteria: Invitae Variant Classification Sherloc (09022015). Collection method: clinical testing. Allele origin: germline.

Ambry Genetics
Classification: Likely benign for Hereditary cancer-predisposing syndrome. Last evaluated: 2016-04-18. Review status: criteria provided, single submitter. Criteria: Ambry Variant Classification Scheme 2023. Collection method: clinical testing. Allele origin: germline.

NM_000051.4(ATM):c.2703C>T (p.Leu901=)

Gene: ATM (ATM serine/threonine kinase; plus strand). Cytogenetic location: 11q22.3.
Variant type: single nucleotide variant.
Coding change: c.2703C>T on transcript NM_000051.4 (MANE Select); coding-DNA position 2703, C replaced by T.
Protein change: p.Leu901=; no amino-acid change (leucine 901 retained).
Molecular consequence: synonymous variant.
Genome position (GRCh38, 1-based): chr11:108,268,474, C>T. VCF-style: chr11-108268474-C-T. GRCh37 (hg19) VCF-style: chr11-108139201-C-T.
Other names: c.2703C>T, p.Leu901= (NM_001351834.2).
Identifiers: ClinVar variation 482592 (VCV000482592.13), dbSNP rs1315907364, ClinGen allele CA476673822.
Genomic context (GRCh38, chr11:108,268,474, plus strand): 5'-CATTAATCCTTTAGCTGAAGAATATCTGTCAAAGCAAGATCTACTTTTCTTAGACATGCT[C>T]AAGTTCTTGTGTTTGTGTGTAACTACTGCTCAGACCAATACTGTGTCCTTTAGGGCAGCT-3'
Protein context (NP_000042.3, residues 891-911): SKQDLLFLDM[Leu901=]KFLCLCVTTA